The following is an entry in ClinVar:

NM_199420.4(POLQ):c.4432G>A (p.Val1478Ile)

Gene: POLQ (DNA polymerase theta; minus strand). Cytogenetic location: 3q13.33.
Variant type: single nucleotide variant.
Coding change: c.4432G>A on transcript NM_199420.4 (MANE Select); coding-DNA position 4432, G replaced by A.
Protein change: p.Val1478Ile; replaces valine 1478 with isoleucine.
Molecular consequence: missense variant.
Genome position (GRCh38, 1-based): chr3:121,488,499, C>T on the plus strand (G>A on the coding strand, the complement: POLQ is on the minus strand). VCF-style: chr3-121488499-C-T. GRCh37 (hg19) VCF-style: chr3-121207346-C-T.
Other names: short protein forms V1478I.
Identifiers: ClinVar variation 1740568 (VCV001740568.2), dbSNP rs2546785910, ClinGen allele CA354095166.

ClinVar aggregate classification (germline): Uncertain significance (1 of 4 stars; one submission).

Submission:

Ambry Genetics
Classification: Uncertain significance. Last evaluated: 2021-09-22. Review status: criteria provided, single submitter. Criteria: Ambry Variant Classification Scheme 2023. Collection method: clinical testing. Allele origin: germline.
Comment: The p.V1478I variant (also known as c.4432G>A), located in coding exon 16 of the POLQ gene, results from a G to A substitution at nucleotide position 4432. The valine at codon 1478 is replaced by isoleucine, an amino acid with highly similar properties. This amino acid position is conserved. In addition, this alteration is predicted to be tolerated by in silico analysis. Since supporting evidence is limited at this time, the clinical significance of this alteration remains unclear.